The following is an entry in ClinVar:

NM_025103.4(IFT74):c.843_844del (p.Leu281_Tyr282insTer)

Gene: IFT74 (intraflagellar transport 74; plus strand). Cytogenetic location: 9p21.2.
Variant type: Deletion.
Coding change: c.843_844del on transcript NM_025103.4 (MANE Select); coding-DNA positions 843 to 844, 2 bases deleted (TT; older notation c.843_844delTT).
Protein change: p.Leu281_Tyr282insTer.
Molecular consequence: frameshift variant.
Genome position (GRCh38, 1-based): chr9:27,016,960-27,016,961, TT deleted; deleting any 2 consecutive bases within chr9:27,016,959-27,016,961 gives the same sequence; the c. name uses the placement nearest the transcript's 3' end. VCF-style (leftmost placement, unchanged base first): chr9-27016958-CTT-C. GRCh37 (hg19) VCF-style: chr9-27016956-CTT-C.
Other names: c.843_844del, p.Leu281_Tyr282insTer (NM_001099222.3, NM_001099223.3, NM_001099224.3 and 1 more transcripts).
Identifiers: ClinVar variation 3690092 (VCV003690092.2).
Genomic context (GRCh38, chr9:27,016,958, plus strand): 5'-TTCCTTTAGGAAATAGCTCACTCCCAGGTGAAACAGGAGGCGGTATTGCTGCATGAAAAA[CTT>C]TATGAGTTGGAGTCCCATCGAGATCAAATGATTGCAGAAGACAAAAGCATAGGATCTCCA-3'

ClinVar aggregate classification (germline): Pathogenic (1 of 4 stars; one submission).

Submission:

Labcorp Genetics (formerly Invitae), Labcorp
Classification: Pathogenic. Last evaluated: 2024-07-31. Review status: criteria provided, single submitter. Criteria: Invitae Variant Classification Sherloc (09022015). Collection method: clinical testing. Allele origin: germline.
Comment: This sequence change creates a premature translational stop signal (p.Tyr282*) in the IFT74 gene. It is expected to result in an absent or disrupted protein product. Loss-of-function variants in IFT74 are known to be pathogenic (PMID: 33531668). This variant is not present in population databases (gnomAD no frequency). This variant has not been reported in the literature in individuals affected with IFT74-related conditions. For these reasons, this variant has been classified as Pathogenic.

Literature cited by the submitters: PubMed 33531668.